The following is an entry in ClinVar:

NM_001374736.1(DST):c.17498T>C (p.Leu5833Pro)

Gene: DST (dystonin; minus strand). Cytogenetic location: 6p12.1.
Variant type: single nucleotide variant.
Coding change: c.17498T>C on transcript NM_001374736.1 (MANE Select); coding-DNA position 17498, T replaced by C.
Protein change: p.Leu5833Pro; replaces leucine 5833 with proline.
Molecular consequence: missense variant. On other transcripts: intron variant (2).
Genome position (GRCh38, 1-based): chr6:56,529,545, A>G on the plus strand (T>C on the coding strand, the complement: DST is on the minus strand). VCF-style: chr6-56529545-A-G. GRCh37 (hg19) VCF-style: chr6-56394343-A-G.
Other names: c.11141T>C, p.Leu3714Pro (NM_001144769.5); c.10727T>C, p.Leu3576Pro (NM_001144770.2); c.17498T>C, p.Leu5833Pro (NM_001374722.1); c.17525T>C, p.Leu5842Pro (NM_001374734.1); c.10607T>C, p.Leu3536Pro (NM_001386100.1, NM_183380.4); c.9629T>C, p.Leu3210Pro (NM_015548.5); c.10377+429T>C (NM_001374730.1); c.16635+429T>C (NM_001374729.1); short protein forms L3714P, L3536P, L5833P, L5842P, L3210P, L3576P.
Identifiers: ClinVar variation 1972472 (VCV001972472.3), dbSNP rs369441196, ClinGen allele CA3867427.

ClinVar aggregate classification (germline): Uncertain significance. Review status: criteria provided, multiple submitters, no conflicts (2 of 4 stars). 2 submissions from 2 submitters: Uncertain significance (2). Last evaluated 2022-03-29.

Conditions:
Hereditary sensory and autonomic neuropathy type 6. Also called: HSAN VI; Neuropathy, hereditary sensory and autonomic, type VI. Identifiers: Orphanet 314381, MedGen C3539003, MONDO:0013839, OMIM 614653.
Epidermolysis bullosa simplex 3, localized or generalized intermediate, with BP230 deficiency (EBS3). Also called: Epidermolysis bullosa simplex due to BP230 deficiency; Epidermolysis bullosa simplex, autosomal recessive 2. Identifiers: Orphanet 412181, MedGen C3809470, MONDO:0014180, OMIM 615425.

Allele frequency attached by ClinVar (database versions not stated): gnomAD exomes below 0.00001; gnomAD 0.00001; TOPMed 0.00001; ExAC 0.00002; ESP Exome Variant Server 0.00008.
gnomAD v4.1: 5 of 1,613,604 alleles (0.00031%); highest among the groups gnomAD compares: Non-Finnish European, 0.00042%; no homozygotes.

Submissions (2):

Labcorp Genetics (formerly Invitae), Labcorp
Classification: Uncertain significance for Epidermolysis bullosa simplex 3, localized or generalized intermediate, with BP230 deficiency; Hereditary sensory and autonomic neuropathy type 6. Last evaluated: 2022-03-29. Review status: criteria provided, single submitter. Criteria: Invitae Variant Classification Sherloc (09022015). Collection method: clinical testing. Allele origin: germline.
Comment: The DST gene has multiple clinically relevant transcripts. This variant occurs in alternate transcript NM_015548.4, and corresponds to NM_001723.5:c.*85972T>C in the primary transcript. This sequence change replaces leucine, which is neutral and non-polar, with proline, which is neutral and non-polar, at codon 3210 of the DST protein (p.Leu3210Pro). This variant is present in population databases (rs369441196, gnomAD 0.003%). This variant has not been reported in the literature in individuals affected with DST-related conditions. Experimental studies and prediction algorithms are not available or were not evaluated, and the functional significance of this variant is currently unknown. In summary, the available evidence is currently insufficient to determine the role of this variant in disease. Therefore, it has been classified as a Variant of Uncertain Significance.

Blueprint Genetics
Classification: Uncertain significance. Last evaluated: 2018-10-08. Review status: criteria provided, single submitter. Criteria: ACMG Guidelines, 2015. Collection method: clinical testing. Allele origin: germline.